The following is an entry in ClinVar:

ClinVar aggregate classification (germline): Uncertain significance. Review status: criteria provided, multiple submitters, no conflicts (2 of 4 stars). 2 submissions from 2 submitters: Uncertain significance (2). Last evaluated 2024-02-29.

Allele frequency attached by ClinVar (database versions not stated): gnomAD exomes 0.00003; ExAC 0.00005; ESP Exome Variant Server 0.00015; gnomAD 0.00021; TOPMed 0.00023.
gnomAD v4.1: 71 of 1,613,822 alleles (0.0044%); highest among the groups gnomAD compares: African/African-American, 0.08%; no homozygotes.

Submissions (2):

Mayo Clinic Laboratories, Mayo Clinic
Classification: Uncertain significance. Last evaluated: 2024-02-29. Review status: criteria provided, single submitter. Criteria: ACMG Guidelines, 2015. Collection method: clinical testing. Allele origin: germline. Observed: 2 variant alleles.
Comment: PM2_moderate

Ambry Genetics
Classification: Uncertain significance. Last evaluated: 2021-07-06. Review status: criteria provided, single submitter. Criteria: Ambry Variant Classification Scheme 2023. Collection method: clinical testing. Allele origin: germline.

NM_004715.5(CTDP1):c.2818G>A (p.Glu940Lys)

Gene: CTDP1 (CTD phosphatase subunit 1; plus strand). Cytogenetic location: 18q23.
Variant type: single nucleotide variant.
Coding change: c.2818G>A on transcript NM_004715.5 (MANE Select); coding-DNA position 2818, G replaced by A.
Protein change: p.Glu940Lys; replaces glutamic acid 940 with lysine.
Molecular consequence: missense variant. On other transcripts: 3 prime UTR variant (2).
Genome position (GRCh38, 1-based): chr18:79,753,722, G>A. VCF-style: chr18-79753722-G-A. GRCh37 (hg19) VCF-style: chr18-77513722-G-A.
Other names: p.Glu940Lys; c.2461G>A, p.Glu821Lys (NM_001202504.1); c.*47G>A (NM_001318511.2); c.*51G>A (NM_048368.4); short protein forms E940K, E821K.
Identifiers: ClinVar variation 2378609 (VCV002378609.3), dbSNP rs139811552, ClinGen allele CA9010721.